The following is an entry in ClinVar:

NM_001111.5(ADAR):c.771C>G (p.Ser257Arg)

Gene: ADAR (adenosine deaminase RNA specific; minus strand). Cytogenetic location: 1q21.3.
Variant type: single nucleotide variant.
Coding change: c.771C>G on transcript NM_001111.5 (MANE Select); coding-DNA position 771, C replaced by G.
Protein change: p.Ser257Arg; replaces serine 257 with arginine.
Molecular consequence: missense variant. On other transcripts: 5 prime UTR variant (6).
Genome position (GRCh38, 1-based): chr1:154,601,871, G>C on the plus strand (C>G on the coding strand, the complement: ADAR is on the minus strand). VCF-style: chr1-154601871-G-C. GRCh37 (hg19) VCF-style: chr1-154574347-G-C.
Other names: c.-115C>G (NM_001025107.3, NM_001193495.2, NM_001365046.1 and 3 more transcripts); c.798C>G, p.Ser266Arg (NM_001365045.1); c.771C>G, p.Ser257Arg (NM_015840.4, NM_015841.4); short protein forms S257R, S266R.
Identifiers: ClinVar variation 2954388 (VCV002954388.3), dbSNP rs368596210, ClinGen allele CA342600068.

ClinVar aggregate classification (germline): Uncertain significance (1 of 4 stars; one submission).

Conditions:
Symmetrical dyschromatosis of extremities (DSH). Also called: RETICULATE ACROPIGMENTATION OF DOHI; DYSCHROMATOSIS SYMMETRICA HEREDITARIA 1; SYMMETRIC DYSCHROMATOSIS OF THE EXTREMITIES; Dyschromatosis symmetrica hereditaria. Identifiers: Orphanet 41, MedGen C0406775, MONDO:0007483, OMIM 127400.
Aicardi-Goutieres syndrome 6 (AGS6). Identifiers: Orphanet 51, MedGen C3539013, MONDO:0014007, OMIM 615010.

gnomAD v4.1: 3 of 1,614,136 alleles (0.00019%); highest among the groups gnomAD compares: Non-Finnish European, 0.00025%; no homozygotes.

Submission:

Labcorp Genetics (formerly Invitae), Labcorp
Classification: Uncertain significance for Aicardi-Goutieres syndrome 6; Symmetrical dyschromatosis of extremities. Last evaluated: 2023-12-02. Review status: criteria provided, single submitter. Criteria: Invitae Variant Classification Sherloc (09022015). Collection method: clinical testing. Allele origin: germline.
Comment: This sequence change replaces serine, which is neutral and polar, with arginine, which is basic and polar, at codon 257 of the ADAR protein (p.Ser257Arg). This variant is not present in population databases (gnomAD no frequency). This variant has not been reported in the literature in individuals affected with ADAR-related conditions. Algorithms developed to predict the effect of missense changes on protein structure and function output the following: SIFT: "Not Available"; PolyPhen-2: "Not Available"; Align-GVGD: "Not Available". The arginine amino acid residue is found in multiple mammalian species, which suggests that this missense change does not adversely affect protein function. In summary, the available evidence is currently insufficient to determine the role of this variant in disease. Therefore, it has been classified as a Variant of Uncertain Significance.